The following is an entry in ClinVar:

ClinVar aggregate classification (germline): Uncertain significance (1 of 4 stars; one submission).

Submission:

ISCA Site 6
Classification: Uncertain significance. Last evaluated: 2011-08-12. Review status: criteria provided, single submitter. Criteria: Kaminsky et al. (Genet Med. 2011). Collection method: clinical testing. Allele origin: maternal. Affected: yes. Observed: 1 variant allele.
Comment: Copy number variation identified through the course of routine clinical cytogenomic testing in postnatal populations. Clinical assertions have been curated as described in Kaminsky et al. 2011.

GRCh38/hg38 12q21.33(chr12:90197297-91239004)x3

Genes: CCER1 (coiled-coil glutamate rich protein 1; minus strand), DCN (decorin; minus strand), EPYC (epiphycan; minus strand), KERA (keratocan; minus strand), LINC00615 (long independently transcribed non-coding RNA 615; plus strand) and 9 more. Cytogenetic location: 12q21.33.
Variant type: copy number gain.
Change: copy number 3 (three copies instead of two) of chr12:90,197,297-91,239,004 (1.04 Mb, GRCh38 coordinates, 1-based), cytogenetic band 12q21.33.
Identifiers: ClinVar variation 58230 (VCV000058230.3).